The following is an entry in ClinVar:

NM_138420.4(AHNAK2):c.6402T>G (p.His2134Gln)

Gene: AHNAK2 (AHNAK nucleoprotein 2; minus strand). Cytogenetic location: 14q32.33.
Variant type: single nucleotide variant.
Coding change: c.6402T>G on transcript NM_138420.4 (MANE Select); coding-DNA position 6402, T replaced by G.
Protein change: p.His2134Gln; replaces histidine 2134 with glutamine.
Molecular consequence: missense variant.
Genome position (GRCh38, 1-based): chr14:104,949,049, A>C on the plus strand (T>G on the coding strand, the complement: AHNAK2 is on the minus strand). VCF-style: chr14-104949049-A-C. GRCh37 (hg19) VCF-style: chr14-105415386-A-C.
Other names: c.6102T>G, p.His2034Gln (NM_001350929.2); short protein forms H2034Q, H2134Q.
Identifiers: ClinVar variation 2644742 (VCV002644742.24), dbSNP rs199690681, ClinGen allele CA7381178.
Genomic context (GRCh38, chr14:104,949,049, plus strand): 5'-TTTGAACTTGCTGTCTTTGGTAGTCAGGTCCTTGTTGGCCAGGGTCAGGTCCCCCTGCAG[A>C]TGCGCACTATCCAGCTTGGCTCTTGGGGCCTGGACGTCCACCTCCATGCTGGGCAGAGAC-3'
Protein context (NP_612429.2, residues 2124-2144): QAPRAKLDSA[His2134Gln]LQGDLTLANK

ClinVar aggregate classification (germline): Likely benign (1 of 4 stars; one submission).

Allele frequency attached by ClinVar (database versions not stated): ExAC 0.02427.

Submission:

CeGaT Center for Human Genetics Tuebingen
Classification: Likely benign. Last evaluated: 2023-07-01. Review status: criteria provided, single submitter. Criteria: CeGaT Center For Human Genetics Tuebingen Variant Classification Criteria Version 2. Collection method: clinical testing. Allele origin: germline. Affected: yes. Observed: 1 variant allele.
Comment: AHNAK2: BP4, BS2